The following is an entry in ClinVar:

ClinVar aggregate classification (germline): Uncertain significance (1 of 4 stars; one submission).

Conditions:
Capillary malformation-arteriovenous malformation syndrome. Also called: Capillary malformation-arteriovenous malformation. Identifiers: Orphanet 137667, MedGen C1842180, MONDO:0012016.

Submission:

Labcorp Genetics (formerly Invitae), Labcorp
Classification: Uncertain significance for Capillary malformation-arteriovenous malformation syndrome. Last evaluated: 2024-11-26. Review status: criteria provided, single submitter. Criteria: Invitae Variant Classification Sherloc (09022015). Collection method: clinical testing. Allele origin: germline.
Comment: This sequence change disrupts the translational stop signal of the RASA1 mRNA. It is expected to extend the length of the RASA1 protein by 17 additional amino acid residues. This variant is not present in population databases (gnomAD no frequency). This variant has not been reported in the literature in individuals affected with RASA1-related conditions. ClinVar contains an entry for this variant (Variation ID: 1437703). Experimental studies and prediction algorithms are not available or were not evaluated, and the functional significance of this variant is currently unknown. In summary, the available evidence is currently insufficient to determine the role of this variant in disease. Therefore, it has been classified as a Variant of Uncertain Significance.

NM_002890.3(RASA1):c.3090_3140dup (p.Arg1047_Ter1048insGluLeuLeuGlnGlnLysGlnAsnGlnTyrThrLysThrAsnAspValArg)

Genes: CCNH (cyclin H; minus strand), RASA1 (RAS p21 protein activator 1; plus strand). Cytogenetic location: 5q14.3.
Variant type: Duplication.
Coding change: c.3090_3140dup on transcript NM_002890.3 (MANE Select); coding-DNA positions 3090 to 3140, 51 bases duplicated.
Protein change: p.Arg1047_Ter1048insGluLeuLeuGlnGlnLysGlnAsnGlnTyrThrLysThrAsnAspValArg.
Molecular consequence: inframe insertion. On other transcripts: 3 prime UTR variant (2), non-coding transcript variant (1), intron variant (1).
Genome position (GRCh38, 1-based): chr5:87,390,829-87,390,879, 51 bases duplicated. GRCh37 (hg19): chr5:86,686,646-86,686,696.
Other names: c.2559_2609dup, p.Arg870_Ter871insGluLeuLeuGlnGlnLysGlnAsnGlnTyrThrLysThrAsnAspValArg (NM_022650.3); c.*1981_*2031dup (NM_001363539.2, NM_001364076.2); c.933+4165_933+4215dup (NM_001364075.2).
Identifiers: ClinVar variation 1437703 (VCV001437703.7), dbSNP rs2112530518, ClinGen allele CA2573140088.